The following is an entry in ClinVar:

ClinVar aggregate classification (germline): Uncertain significance (1 of 4 stars; one submission).

Conditions:
Duchenne muscular dystrophy (DMD). Also called: MUSCULAR DYSTROPHY, PSEUDOHYPERTROPHIC PROGRESSIVE, DUCHENNE TYPE; Duchenne Muscular Dystrophy (DMD). Identifiers: Orphanet 98896, MedGen C0013264, MONDO:0010679, OMIM 310200.

Allele frequency attached by ClinVar (database versions not stated): gnomAD exomes 0.00001.
gnomAD v4.1: 12 of 1,209,800 alleles (0.00099%); highest among the groups gnomAD compares: East Asian, 0.035%; no homozygotes.

Submission:

Labcorp Genetics (formerly Invitae), Labcorp
Classification: Uncertain significance for Duchenne muscular dystrophy. Last evaluated: 2025-12-01. Review status: criteria provided, single submitter. Criteria: Invitae Variant Classification Sherloc (09022015). Collection method: clinical testing. Allele origin: germline.
Comment: This sequence change replaces alanine, which is neutral and non-polar, with threonine, which is neutral and polar, at codon 2061 of the DMD protein (p.Ala2061Thr). The frequency data for this variant in the population databases is considered unreliable, as metrics indicate poor data quality at this position in the gnomAD database. This variant has not been reported in the literature in individuals affected with DMD-related conditions. ClinVar contains an entry for this variant (Variation ID: 1941435). Invitae Evidence Modeling of protein sequence and biophysical properties (such as structural, functional, and spatial information, amino acid conservation, physicochemical variation, residue mobility, and thermodynamic stability) indicates that this missense variant is not expected to disrupt DMD protein function with a negative predictive value of 95%. In summary, the available evidence is currently insufficient to determine the role of this variant in disease. Therefore, it has been classified as a Variant of Uncertain Significance.

NM_004006.3(DMD):c.6181G>A (p.Ala2061Thr)

Gene: DMD (dystrophin; minus strand). Cytogenetic location: Xp21.1.
Variant type: single nucleotide variant.
Coding change: c.6181G>A on transcript NM_004006.3 (MANE Select); coding-DNA position 6181, G replaced by A.
Protein change: p.Ala2061Thr; replaces alanine 2061 with threonine.
Molecular consequence: missense variant.
Genome position (GRCh38, 1-based): chrX:32,287,638, C>T on the plus strand (G>A on the coding strand, the complement: DMD is on the minus strand). VCF-style: chrX-32287638-C-T. GRCh37 (hg19) VCF-style: chrX-32305755-C-T.
Other names: c.6157G>A, p.Ala2053Thr (NM_000109.4); c.6169G>A, p.Ala2057Thr (NM_004009.3); c.5812G>A, p.Ala1938Thr (NM_004010.3); c.2158G>A, p.Ala720Thr (NM_004011.4); c.2149G>A, p.Ala717Thr (NM_004012.4); short protein forms A2053T, A717T, A2057T, A720T, A1938T, A2061T.
Identifiers: ClinVar variation 1941435 (VCV001941435.3), dbSNP rs984988217, ClinGen allele CA328529828.